The following is an entry in ClinVar:

ClinVar aggregate classification (germline): Uncertain significance (1 of 4 stars; one submission).

Submission:

GeneDx
Classification: Uncertain significance. Last evaluated: 2025-12-05. Review status: criteria provided, single submitter. Criteria: GeneDx Variant Classification Process June 2021. Collection method: clinical testing. Allele origin: germline.
Comment: De novo variant with confirmed parentage in a patient in published literature from a cohort of individuals with developmental disorders; however, detailed clinical information was not provided (PMID: 33057194); Not observed at significant frequency in large population cohorts (gnomAD); In silico analysis supports that this missense variant does not alter protein structure/function; This variant is associated with the following publications: (PMID: 33057194, 35982159)

NM_198334.3(GANAB):c.560+490A>T

Gene: GANAB (glucosidase II alpha subunit; minus strand). Cytogenetic location: 11q12.3.
Variant type: single nucleotide variant.
Coding change: c.560+490A>T on transcript NM_198334.3 (MANE Select); 490 bases into the intron after coding-DNA position 560, A replaced by T.
Molecular consequence: intron variant. On other transcripts: missense variant (2).
Genome position (GRCh38, 1-based): chr11:62,634,331, T>A on the plus strand (A>T on the coding strand, the complement: GANAB is on the minus strand). VCF-style: chr11-62634331-T-A. GRCh37 (hg19) VCF-style: chr11-62401803-T-A.
Other names: c.263A>T, p.Lys88Met (NM_001278192.2); c.605A>T, p.Lys202Met (NM_198335.4); c.218+490A>T (NM_001278193.2); c.269+490A>T (NM_001329223.2, NM_001278194.2, NM_001329222.2); c.-217+490A>T (NM_001329225.2, NM_001329224.2); short protein forms K202M, K88M.
Identifiers: ClinVar variation 2580744 (VCV002580744.2), dbSNP rs2496369532, ClinGen allele CA380995606.
Genomic context (GRCh38, chr11:62,634,331, plus strand): 5'-GCAGAGGAACAGATACAGTACCGGTGGCCATGGATTTACCTAGAGAAAAGGTTCTTGATC[T>A]TATCCCATATGCTACCAAGCGTGAGATTAACCTTATCCGAGAAACTGGGGCAGGAGGAGA-3'